The following is an entry in ClinVar:

ClinVar aggregate classification (germline): other (0 of 4 stars; one submission).

Conditions:
Familial colorectal cancer. Identifiers: MedGen CN280943, MONDO:0023113. Disease mechanism: loss of function.

Submission:

Systems Biology Platform Zhejiang California International NanoSystems Institute
Classification: other for Familial colorectal cancer. Review status: no assertion criteria provided. Collection method: not provided. Allele origin: unknown.
ClinVar note: Converted during submission from cancer to other.

NM_000038.6(APC):c.834+4802T>C

Gene: APC (APC regulator of WNT signaling pathway; plus strand). Cytogenetic location: 5q22.2.
Variant type: single nucleotide variant.
Coding change: c.834+4802T>C on transcript NM_000038.6 (MANE Select); 4802 bases into the intron after coding-DNA position 834, T replaced by C.
Molecular consequence: intron variant.
Genome position (GRCh38, 1-based): chr5:112,806,185, T>C. VCF-style: chr5-112806185-T-C. GRCh37 (hg19) VCF-style: chr5-112141882-T-C.
Other names: c.834+4802T>C (NM_001354895.2, NM_001127510.3, NM_001354896.2 and 1 more transcripts); c.864+4802T>C (NM_001354897.2, NM_001354902.2); c.780+4802T>C (NM_001127511.3); c.759+4802T>C (NM_001354898.2, NM_001354904.2); c.-201-3941T>C (NM_001354906.2); c.750+4802T>C (NM_001354899.2); c.657+4802T>C (NM_001354900.2, NM_001354901.2, NM_001354905.2).
Identifiers: ClinVar variation 83063 (VCV000083063.2), dbSNP rs77984982, ClinGen allele CA014844.
Genomic context (GRCh38, chr5:112,806,185, plus strand): 5'-AGTTCATGTGTGTCTGAGCTTAAGCACCAGTTTCTCAGAGAGGCTCGAACAGATCAAATC[T>C]CACTACCATAGGCTGTCACAGCATGTTCCTCTCGTTTGAAGACTACTACATTTGCAGTTT-3'